The following is an entry in ClinVar:

ClinVar aggregate classification (germline): Uncertain significance. Review status: criteria provided, multiple submitters, no conflicts (2 of 4 stars). 2 submissions from 2 submitters: Uncertain significance (2). Last evaluated 2023-08-09.

Conditions:
Hereditary cancer-predisposing syndrome. Also called: Hereditary neoplastic syndrome; Tumor predisposition; Hereditary Cancer Syndrome; Neoplastic Syndromes, Hereditary. Identifiers: Orphanet 140162, MedGen C0027672, MeSH D009386, MONDO:0015356.

Submissions (2):

Ambry Genetics
Classification: Uncertain significance for Hereditary cancer-predisposing syndrome. Last evaluated: 2023-08-09. Review status: criteria provided, single submitter. Criteria: Ambry Variant Classification Scheme 2023. Collection method: clinical testing. Allele origin: germline.
Comment: The c.-1G>A variant is located in the 5' untranslated region (5&rsquo; UTR) of the RAD51C gene. This variant results from a G to A substitution 1 bases upstream from the first translated codon. This nucleotide position is highly conserved in available vertebrate species. Since supporting evidence is limited at this time, the clinical significance of this alteration remains unclear.

Color Diagnostics, LLC DBA Color Health
Classification: Uncertain significance for Hereditary cancer-predisposing syndrome. Last evaluated: 2018-11-19. Review status: criteria provided, single submitter. Criteria: ACMG Guidelines, 2015. Collection method: clinical testing. Allele origin: germline.
Comment: This variant is located one nucleotide upstream of the ATG start codon for the RAD51C protein, altering a position that is not conserved within the Kozak consensus sequence that govern translation initiation. To our knowledge, functional studies have not been performed for this variant. This variant has not been reported in individuals affected with hereditary cancer in the literature. This variant has not been identified in the general population by the Genome Aggregation Database (gnomAD). The available evidence is insufficient to determine the role of this variant in disease conclusively. Therefore, this variant is classified as a Variant of Uncertain Significance.

NM_058216.3(RAD51C):c.-1G>A

Gene: RAD51C (RAD51 paralog C; plus strand). Cytogenetic location: 17q22.
Variant type: single nucleotide variant.
Coding change: c.-1G>A on transcript NM_058216.3 (MANE Select); 1 bases upstream of the start codon, G replaced by A.
Molecular consequence: 5 prime UTR variant. On other transcripts: non-coding transcript variant (2).
Genome position (GRCh38, 1-based): chr17:58,692,643, G>A. VCF-style: chr17-58692643-G-A. GRCh37 (hg19) VCF-style: chr17-56770004-G-A.
Other names: c.-1G>A (NM_002876.4, NM_058217.1).
Identifiers: ClinVar variation 492356 (VCV000492356.7), dbSNP rs750045091, ClinGen allele CA658684133.